The following is an entry in ClinVar:

NM_001363711.2(DUOX2):c.2047C>T (p.Arg683Cys)

Gene: DUOX2 (dual oxidase 2; minus strand). Cytogenetic location: 15q21.1.
Variant type: single nucleotide variant.
Coding change: c.2047C>T on transcript NM_001363711.2 (MANE Select); coding-DNA position 2047, C replaced by T.
Protein change: p.Arg683Cys; replaces arginine 683 with cysteine.
Molecular consequence: missense variant.
Genome position (GRCh38, 1-based): chr15:45,106,226, G>A on the plus strand (C>T on the coding strand, the complement: DUOX2 is on the minus strand). VCF-style: chr15-45106226-G-A. GRCh37 (hg19) VCF-style: chr15-45398424-G-A.
Other names: c.2047C>T, p.Arg683Cys (NM_014080.5); c.2047C>T (NM_014080.4); short protein forms R683C.
Identifiers: ClinVar variation 1445781 (VCV001445781.6), dbSNP rs1447369302, ClinGen allele CA392273056.

ClinVar aggregate classification (germline): Uncertain significance. Review status: criteria provided, multiple submitters, no conflicts (2 of 4 stars). 2 submissions from 2 submitters: Uncertain significance (2). Last evaluated 2024-10-13.

Conditions:
Inborn genetic diseases. Identifiers: MedGen C0950123, MeSH D030342.

Submissions (2):

Labcorp Genetics (formerly Invitae), Labcorp
Classification: Uncertain significance. Last evaluated: 2024-10-13. Review status: criteria provided, single submitter. Criteria: Invitae Variant Classification Sherloc (09022015). Collection method: clinical testing. Allele origin: germline.
Comment: This sequence change replaces arginine, which is basic and polar, with cysteine, which is neutral and slightly polar, at codon 683 of the DUOX2 protein (p.Arg683Cys). This variant is present in population databases (no rsID available, gnomAD 0.002%). This variant has not been reported in the literature in individuals affected with DUOX2-related conditions. ClinVar contains an entry for this variant (Variation ID: 1445781). Invitae Evidence Modeling of protein sequence and biophysical properties (such as structural, functional, and spatial information, amino acid conservation, physicochemical variation, residue mobility, and thermodynamic stability) indicates that this missense variant is expected to disrupt DUOX2 protein function with a positive predictive value of 80%. Algorithms developed to predict the effect of sequence changes on RNA splicing suggest that this variant may create or strengthen a splice site. In summary, the available evidence is currently insufficient to determine the role of this variant in disease. Therefore, it has been classified as a Variant of Uncertain Significance.

Ambry Genetics
Classification: Uncertain significance for Inborn genetic diseases. Last evaluated: 2022-03-28. Review status: criteria provided, single submitter. Criteria: Ambry Variant Classification Scheme 2023. Collection method: clinical testing. Allele origin: germline.